The following is an entry in ClinVar:

ClinVar aggregate classification (germline): Uncertain significance (1 of 4 stars; one submission).

Conditions:
Werner syndrome (WRN). Identifiers: Orphanet 902, MedGen C0043119, MONDO:0010196, OMIM 277700.

Allele frequency attached by ClinVar (database versions not stated): TOPMed 0.00001.

Submission:

Labcorp Genetics (formerly Invitae), Labcorp
Classification: Uncertain significance for Werner syndrome. Last evaluated: 2022-06-26. Review status: criteria provided, single submitter. Criteria: Invitae Variant Classification Sherloc (09022015). Collection method: clinical testing. Allele origin: germline.
Comment: This sequence change replaces glutamic acid, which is acidic and polar, with glycine, which is neutral and non-polar, at codon 260 of the WRN protein (p.Glu260Gly). This variant is not present in population databases (gnomAD no frequency). This variant has not been reported in the literature in individuals affected with WRN-related conditions. Algorithms developed to predict the effect of missense changes on protein structure and function are either unavailable or do not agree on the potential impact of this missense change (SIFT: "Not Available"; PolyPhen-2: "Benign"; Align-GVGD: "Not Available"). In summary, the available evidence is currently insufficient to determine the role of this variant in disease. Therefore, it has been classified as a Variant of Uncertain Significance.

NM_000553.6(WRN):c.779A>G (p.Glu260Gly)

Gene: WRN (WRN RecQ like helicase; plus strand). Cytogenetic location: 8p12.
Variant type: single nucleotide variant.
Coding change: c.779A>G on transcript NM_000553.6 (MANE Select); coding-DNA position 779, A replaced by G.
Protein change: p.Glu260Gly; replaces glutamic acid 260 with glycine.
Molecular consequence: missense variant.
Genome position (GRCh38, 1-based): chr8:31,076,227, A>G. VCF-style: chr8-31076227-A-G. GRCh37 (hg19) VCF-style: chr8-30933743-A-G.
Other names: short protein forms E260G.
Identifiers: ClinVar variation 2158804 (VCV002158804.1), dbSNP rs1813088322, ClinGen allele CA370918511.
Genomic context (GRCh38, chr8:31,076,227, plus strand): 5'-CCCTAGAGGAAGAAATCCTACTTAGCGACATGAACAAACAGTTGACTTCAATCTCTGAGG[A>G]AGTGATGGATCTGGCTAAGCATCTTCCTCATGCTTTCAGTAAATTGGAAAACCCACGGAG-3'
Protein context (NP_000544.2, residues 250-270): MNKQLTSISE[Glu260Gly]VMDLAKHLPH